The following is an entry in ClinVar:

ClinVar aggregate classification (germline): Uncertain significance (1 of 4 stars; one submission).

Conditions:
PLXNA3-related disorder. Also called: PLXNA3-related condition.

Submission:

PreventionGenetics, part of Exact Sciences
Classification: Uncertain significance for PLXNA3-related condition. Last evaluated: 2025-03-19. Review status: criteria provided, single submitter. Criteria: ACMG Guidelines, 2015. Collection method: clinical testing. Allele origin: germline.
Comment: The PLXNA3 c.5206T>G variant is predicted to result in the amino acid substitution p.Phe1736Val. To our knowledge, this variant has not been reported in the literature or in a large population database (gnomAD), indicating this variant is rare. At this time, the clinical significance of this variant is uncertain due to the absence of conclusive functional and genetic evidence.

NM_017514.5(PLXNA3):c.5206T>G (p.Phe1736Val)

Gene: PLXNA3 (plexin A3; plus strand). Cytogenetic location: Xq28.
Variant type: single nucleotide variant.
Coding change: c.5206T>G on transcript NM_017514.5 (MANE Select); coding-DNA position 5206, T replaced by G.
Protein change: p.Phe1736Val; replaces phenylalanine 1736 with valine.
Molecular consequence: missense variant.
Genome position (GRCh38, 1-based): chrX:154,471,154, T>G. VCF-style: chrX-154471154-T-G. GRCh37 (hg19) VCF-style: chrX-153699497-T-G.
Other names: short protein forms F1736V.
Identifiers: ClinVar variation 4997455 (VCV004997455.1).